The following is an entry in ClinVar:

NM_005559.4(LAMA1):c.9067+4T>C

Gene: LAMA1 (laminin subunit alpha 1; minus strand). Cytogenetic location: 18p11.31.
Variant type: single nucleotide variant.
Coding change: c.9067+4T>C on transcript NM_005559.4 (MANE Select); 4 bases into the intron after coding-DNA position 9067, T replaced by C.
Molecular consequence: intron variant.
Genome position (GRCh38, 1-based): chr18:6,943,176, A>G on the plus strand (T>C on the coding strand, the complement: LAMA1 is on the minus strand). VCF-style: chr18-6943176-A-G. GRCh37 (hg19) VCF-style: chr18-6943175-A-G.
Identifiers: ClinVar variation 284742 (VCV000284742.24), dbSNP rs8091658, ClinGen allele CA8880273.

ClinVar aggregate classification (germline): Benign/Likely benign. Review status: criteria provided, multiple submitters, no conflicts (2 of 4 stars). 5 submissions from 5 submitters: Benign (2); Likely benign (3). Last evaluated 2025-12-25.

Conditions:
Inborn genetic diseases. Identifiers: MedGen C0950123, MeSH D030342.

Allele frequency attached by ClinVar (database versions not stated): gnomAD exomes 0.00079; ExAC 0.00099; gnomAD 0.00283 and 0.00303; TOPMed 0.00315; 1000 Genomes Project 30x 0.00328; ESP Exome Variant Server 0.00338; 1000 Genomes Project 0.00339.
gnomAD v4.1: 845 of 1,613,552 alleles (0.052%); highest among the groups gnomAD compares: African/African-American, 0.98%; 2 homozygotes.

Submissions (5):

Labcorp Genetics (formerly Invitae), Labcorp
Classification: Benign. Last evaluated: 2025-12-25. Review status: criteria provided, single submitter. Criteria: Invitae Variant Classification Sherloc (09022015). Collection method: clinical testing. Allele origin: germline.

CeGaT Center for Human Genetics Tuebingen
Classification: Likely benign. Last evaluated: 2025-07-01. Review status: criteria provided, single submitter. Criteria: CeGaT Center For Human Genetics Tuebingen Variant Classification Criteria Version 2. Collection method: clinical testing. Allele origin: germline. Affected: yes. Observed: 1 variant allele.
Comment: LAMA1: BP4, BS2

Blueprint Genetics
Classification: Likely benign. Last evaluated: 2024-08-09. Review status: criteria provided, single submitter. Criteria: ACMG Guidelines, 2015. Collection method: clinical testing. Allele origin: germline.

Ambry Genetics
Classification: Likely benign for Inborn genetic diseases. Last evaluated: 2021-10-01. Review status: criteria provided, single submitter. Criteria: Ambry Variant Classification Scheme 2023. Collection method: clinical testing. Allele origin: germline.

Eurofins Ntd Llc (ga)
Classification: Benign. Last evaluated: 2015-12-08. Review status: criteria provided, single submitter. Criteria: EGL Classification Definitions 2015. Collection method: clinical testing. Allele origin: germline. Observed: 1 variant allele, 1 heterozygote.